The following is an entry in ClinVar:

ClinVar aggregate classification (germline): Benign/Likely benign. Review status: criteria provided, multiple submitters, no conflicts (2 of 4 stars). 3 submissions from 3 submitters: Benign (1); Likely benign (2). Last evaluated 2026-01-28.

Allele frequency attached by ClinVar (database versions not stated): gnomAD exomes 0.00096; ExAC 0.00113; ESP Exome Variant Server 0.00376; gnomAD 0.00378 and 0.00401; 1000 Genomes Project 0.00419; TOPMed 0.00436; 1000 Genomes Project 30x 0.00437.
gnomAD v4.1: 1,186 of 1,613,786 alleles (0.073%); highest among the groups gnomAD compares: African/African-American, 1.3%; 6 homozygotes.

Submissions (3):

Labcorp Genetics (formerly Invitae), Labcorp
Classification: Benign. Last evaluated: 2026-01-28. Review status: criteria provided, single submitter. Criteria: Invitae Variant Classification Sherloc (09022015). Collection method: clinical testing. Allele origin: germline.

CeGaT Center for Human Genetics Tuebingen
Classification: Likely benign. Last evaluated: 2025-11-01. Review status: criteria provided, single submitter. Criteria: CeGaT Center For Human Genetics Tuebingen Variant Classification Criteria Version 2. Collection method: clinical testing. Allele origin: germline. Affected: yes. Observed: 1 variant allele.
Comment: OBSL1: BP4, BS1

Blueprint Genetics
Classification: Likely benign. Last evaluated: 2024-11-14. Review status: criteria provided, single submitter. Criteria: ACMG Guidelines, 2015. Collection method: clinical testing. Allele origin: germline.

NM_015311.3(OBSL1):c.1999G>A (p.Ala667Thr)

Gene: OBSL1 (obscurin like cytoskeletal adaptor 1; minus strand). Cytogenetic location: 2q35.
Variant type: single nucleotide variant.
Coding change: c.1999G>A on transcript NM_015311.3 (MANE Select); coding-DNA position 1999, G replaced by A.
Protein change: p.Ala667Thr; replaces alanine 667 with threonine.
Molecular consequence: missense variant.
Genome position (GRCh38, 1-based): chr2:219,566,965, C>T on the plus strand (G>A on the coding strand, the complement: OBSL1 is on the minus strand). VCF-style: chr2-219566965-C-T. GRCh37 (hg19) VCF-style: chr2-220431687-C-T.
Other names: c.1999G>A, p.Ala667Thr (NM_001173408.2, NM_001173431.2); short protein forms A667T.
Identifiers: ClinVar variation 775188 (VCV000775188.18), dbSNP rs141057611, ClinGen allele CA2131359.